The following is an entry in ClinVar:

ClinVar aggregate classification (germline): Pathogenic/Likely pathogenic. Review status: criteria provided, multiple submitters, no conflicts (2 of 4 stars). 2 submissions from 2 submitters: Pathogenic (1); Likely pathogenic (1). Last evaluated 2025-07-08.

Conditions:
Intellectual disability-facial dysmorphism syndrome due to SETD5 haploinsufficiency (MRD23). Also called: Intellectual developmental disorder, autosomal dominant 23. Identifiers: Orphanet 404440, MedGen C3810406, MONDO:0014336, OMIM 615761.

Submissions (2):

Dasa
Classification: Likely pathogenic. Last evaluated: 2025-07-08. Review status: criteria provided, single submitter. Criteria: DASA Assertion Criteria. Collection method: clinical testing. Allele origin: germline.
Comment: NM_001080517.3(SETD5):c.2998dup (p.Tyr1000Leufs*10) is a frameshift variant in SETD5 predicted to alter the reading frame and introduce a premature termination codon and is predicted to result in an absent or altered protein product. Loss of function is an established disease mechanism for SETD5 (PMID: 25138099; PMID: 24680889). Also, this variant is absent from population databases. Based on the currently available evidence, this variant is classified as likely pathogenic.

Equipe Genetique des Anomalies du Developpement, Université de Bourgogne
Classification: Pathogenic for Intellectual disability-facial dysmorphism syndrome due to SETD5 haploinsufficiency. Last evaluated: 2022-09-08. Review status: criteria provided, single submitter. Criteria: ACMG Guidelines, 2015. Collection method: clinical testing. Allele origin: de novo. Affected: yes.

Literature cited by the submitters: PubMed 25138099 (cited by Dasa); PubMed 24680889 (cited by Dasa); PubMed 27375234 (cited by Equipe Genetique des Anomalies du Developpement, Université de Bourgogne).

NM_001080517.3(SETD5):c.2998dup (p.Tyr1000fs)

Gene: SETD5 (SET domain containing 5; plus strand). Cytogenetic location: 3p25.3.
Variant type: Duplication.
Coding change: c.2998dup on transcript NM_001080517.3 (MANE Select); coding-DNA position 2998, one base duplicated (T; older notation c.2998dupT).
Protein change: p.Tyr1000fs; shifts the reading frame from tyrosine 1000.
Molecular consequence: frameshift variant.
Genome position (GRCh38, 1-based): chr3:9,470,732, T duplicated. VCF-style (leftmost placement, unchanged base first): chr3-9470731-G-GT. GRCh37 (hg19) VCF-style: chr3-9512415-G-GT.
Other names: c.2704dup, p.Tyr902fs (NM_001292043.2, NM_001349451.2); short protein forms Y1000fs, Y902fs.
Identifiers: ClinVar variation 2500265 (VCV002500265.3), dbSNP rs2473809341, ClinGen allele CA2580070731.
Genomic context (GRCh38, chr3:9,470,731, plus strand): 5'-AGAGTTCAACTTGATGTATGCCTACTCCCCTTTGAATGCTATGCCTCGAGCAGATGGACT[G>GT]TATCGAGGATCTCCTCTAGTGGGGGATAGGAAGCCTTTACATTTGGATGGGGGATATTGT-3'